The following is an entry in ClinVar:

ClinVar aggregate classification (germline): Uncertain significance. Review status: criteria provided, multiple submitters, no conflicts (2 of 4 stars). 2 submissions from 2 submitters: Uncertain significance (2). Last evaluated 2025-08-31.

Conditions:
Inborn genetic diseases. Identifiers: MedGen C0950123, MeSH D030342.

Submissions (2):

Ambry Genetics
Classification: Uncertain significance for Inborn genetic diseases. Last evaluated: 2025-08-31. Review status: criteria provided, single submitter. Criteria: Ambry Variant Classification Scheme 2023. Collection method: clinical testing. Allele origin: germline.

Labcorp Genetics (formerly Invitae), Labcorp
Classification: Uncertain significance. Last evaluated: 2022-03-23. Review status: criteria provided, single submitter. Criteria: Invitae Variant Classification Sherloc (09022015). Collection method: clinical testing. Allele origin: germline.
Comment: In summary, the available evidence is currently insufficient to determine the role of this variant in disease. Therefore, it has been classified as a Variant of Uncertain Significance. This sequence change replaces proline, which is neutral and non-polar, with serine, which is neutral and polar, at codon 2000 of the USH2A protein (p.Pro2000Ser). This variant is not present in population databases (gnomAD no frequency). This variant has not been reported in the literature in individuals affected with USH2A-related conditions. Algorithms developed to predict the effect of missense changes on protein structure and function output the following: SIFT: "Tolerated"; PolyPhen-2: "Benign"; Align-GVGD: "Class C0". The serine amino acid residue is found in multiple mammalian species, which suggests that this missense change does not adversely affect protein function.

NM_206933.4(USH2A):c.5998C>T (p.Pro2000Ser)

Gene: USH2A (usherin; minus strand). Cytogenetic location: 1q41.
Variant type: single nucleotide variant.
Coding change: c.5998C>T on transcript NM_206933.4 (MANE Select); coding-DNA position 5998, C replaced by T.
Protein change: p.Pro2000Ser; replaces proline 2000 with serine.
Molecular consequence: missense variant.
Genome position (GRCh38, 1-based): chr1:216,070,152, G>A on the plus strand (C>T on the coding strand, the complement: USH2A is on the minus strand). VCF-style: chr1-216070152-G-A. GRCh37 (hg19) VCF-style: chr1-216243494-G-A.
Other names: c.5998C>T (NM_206933.2); short protein forms P2000S.
Identifiers: ClinVar variation 2030568 (VCV002030568.5), dbSNP rs2102546066, ClinGen allele CA344861985.